The following is an entry in ClinVar:

ClinVar aggregate classification (germline): Uncertain significance (1 of 4 stars; one submission).

Conditions:
Myopathy, tubular aggregate, 2 (TAM2). Identifiers: MedGen C4014557, MONDO:0014383, OMIM 615883.
Combined immunodeficiency due to ORAI1 deficiency. Also called: IMMUNODEFICIENCY 9. Identifiers: Orphanet 169090, Orphanet 317428, MedGen C2748568, MONDO:0013007, OMIM 612782.

Allele frequency attached by ClinVar (database versions not stated): gnomAD exomes below 0.00001.

Submission:

Labcorp Genetics (formerly Invitae), Labcorp
Classification: Uncertain significance for Myopathy, tubular aggregate, 2; Combined immunodeficiency due to ORAI1 deficiency. Last evaluated: 2022-11-01. Review status: criteria provided, single submitter. Criteria: Invitae Variant Classification Sherloc (09022015). Collection method: clinical testing. Allele origin: germline.
Comment: This variant is not present in population databases (gnomAD no frequency). This sequence change replaces glycine, which is neutral and non-polar, with serine, which is neutral and polar, at codon 183 of the ORAI1 protein (p.Gly183Ser). In summary, the available evidence is currently insufficient to determine the role of this variant in disease. Therefore, it has been classified as a Variant of Uncertain Significance. Experimental studies and prediction algorithms are not available or were not evaluated, and the functional significance of this variant is currently unknown. ClinVar contains an entry for this variant (Variation ID: 1493167). This variant has not been reported in the literature in individuals affected with ORAI1-related conditions.

NC_000012.12:g.121641284G>A

Gene: ORAI1 (ORAI calcium release-activated calcium modulator 1; plus strand). Cytogenetic location: 12q24.31.
Variant type: single nucleotide variant.
Genome position: GRCh38 VCF-style: chr12-121641284-G-A. GRCh37 (hg19) VCF-style: chr12-122079190-G-A.
Other names: c.547G>A, p.Gly183Ser (NM_032790.4); short protein forms G183S.
Identifiers: ClinVar variation 1493167 (VCV001493167.6), dbSNP rs2136852917, ClinGen allele CA386983533.
Genomic context (GRCh38, chr12:121,641,284, plus strand): 5'-TCCCCCCATGAGCGCATGCACCGCCACATCGAGCTGGCCTGGGCCTTCTCCACCGTCATC[G>A]GCACGCTGCTCTTCCTAGCTGAGGTGGTGCTGCTCTGCTGGGTCAAGTTCTTGCCCCTCA-3'